The following is an entry in ClinVar:

NM_018896.5(CACNA1G):c.3121A>G (p.Ile1041Val)

Gene: CACNA1G (calcium voltage-gated channel subunit alpha1 G; plus strand). Cytogenetic location: 17q21.33.
Variant type: single nucleotide variant.
Coding change: c.3121A>G on transcript NM_018896.5 (MANE Select); coding-DNA position 3121, A replaced by G.
Protein change: p.Ile1041Val; replaces isoleucine 1041 with valine.
Molecular consequence: missense variant. On other transcripts: non-coding transcript variant (5).
Genome position (GRCh38, 1-based): chr17:50,596,786, A>G. VCF-style: chr17-50596786-A-G. GRCh37 (hg19) VCF-style: chr17-48674147-A-G.
Other names: c.3121A>G, p.Ile1041Val (NM_001256324.2, NM_001256325.2, NM_001256326.2 and 16 more transcripts); c.3052A>G, p.Ile1018Val (NM_001256332.2, NM_198376.3, NM_198379.3 and 5 more transcripts); short protein forms I1018V, I1041V.
Identifiers: ClinVar variation 1313076 (VCV001313076.2), dbSNP rs773040639, ClinGen allele CA400252129.

ClinVar aggregate classification (germline): Uncertain significance (1 of 4 stars; one submission).

gnomAD v4.1: 1 of 1,611,736 alleles (0.000062%); no homozygotes.

Submission:

GeneDx
Classification: Uncertain significance. Last evaluated: 2020-07-14. Review status: criteria provided, single submitter. Criteria: GeneDx Variant Classification Process June 2021. Collection method: clinical testing. Allele origin: germline. Affected: yes.
Comment: Not observed in large population cohorts (Lek et al., 2016); In silico analysis supports that this missense variant does not alter protein structure/function; Has not been previously published as pathogenic or benign to our knowledge